The following is an entry in ClinVar:

ClinVar aggregate classification (germline): Uncertain significance. Review status: criteria provided, multiple submitters, no conflicts (2 of 4 stars). 2 submissions from 2 submitters: Uncertain significance (2). Last evaluated 2025-10-06.

Conditions:
Age related macular degeneration 1 (ARMD1). Also called: MACULOPATHY, AGE-RELATED, 1. Identifiers: MedGen C1864205, MONDO:0011285, OMIM 603075.

Allele frequency attached by ClinVar (database versions not stated): TOPMed 0.00001; gnomAD exomes 0.00001.
gnomAD v4.1: 8 of 1,603,650 alleles (0.0005%); highest among the groups gnomAD compares: Non-Finnish European, 0.00068%; no homozygotes.

Submissions (2):

Labcorp Genetics (formerly Invitae), Labcorp
Classification: Uncertain significance. Last evaluated: 2025-10-06. Review status: criteria provided, single submitter. Criteria: Invitae Variant Classification Sherloc (09022015). Collection method: clinical testing. Allele origin: germline.
Comment: This sequence change replaces leucine, which is neutral and non-polar, with proline, which is neutral and non-polar, at codon 2436 of the HMCN1 protein (p.Leu2436Pro). This variant is not present in population databases (gnomAD no frequency). This variant has not been reported in the literature in individuals affected with HMCN1-related conditions. ClinVar contains an entry for this variant (Variation ID: 294184). An algorithm developed to predict the effect of missense changes on protein structure and function (PolyPhen-2) suggests that this variant is likely to be disruptive. In summary, the available evidence is currently insufficient to determine the role of this variant in disease. Therefore, it has been classified as a Variant of Uncertain Significance.

Illumina Laboratory Services, Illumina
Classification: Uncertain significance for Age related macular degeneration 1. Last evaluated: 2018-01-13. Review status: criteria provided, single submitter. Criteria: ICSL Variant Classification Criteria 13 December 2019. Collection method: clinical testing. Allele origin: germline.

NM_031935.3(HMCN1):c.7307T>C (p.Leu2436Pro)

Gene: HMCN1 (hemicentin 1; plus strand). Cytogenetic location: 1q31.1.
Variant type: single nucleotide variant.
Coding change: c.7307T>C on transcript NM_031935.3 (MANE Select); coding-DNA position 7307, T replaced by C.
Protein change: p.Leu2436Pro; replaces leucine 2436 with proline.
Molecular consequence: missense variant.
Genome position (GRCh38, 1-based): chr1:186,057,396, T>C. VCF-style: chr1-186057396-T-C. GRCh37 (hg19) VCF-style: chr1-186026528-T-C.
Other names: short protein forms L2436P.
Identifiers: ClinVar variation 294184 (VCV000294184.6), dbSNP rs886045675, ClinGen allele CA10608995.